The following is an entry in ClinVar:

ClinVar aggregate classification (germline): Uncertain significance (1 of 4 stars; one submission).

Conditions:
Hao-Fountain syndrome (HAFOUS). Identifiers: Orphanet 643549, MedGen C5393908, MONDO:0014805.

Submission:

Dasa
Classification: Uncertain significance for Hao-Fountain syndrome. Last evaluated: 2025-10-01. Review status: criteria provided, single submitter. Criteria: DASA Assertion Criteria. Collection method: clinical testing. Allele origin: germline.
Comment: NM_003470.3(USP7):c.2267C>T (p.Ala756Val) is a missense variant that results in the substitution of alanine with valine. This variant is absent from population databases. The currently available literature and clinical evidence are not sufficient to establish a definitive association between this variant and the reported condition. Therefore, this variant is classified as a variant of uncertain significance.

NM_003470.3(USP7):c.2267C>T (p.Ala756Val)

Gene: USP7 (ubiquitin specific peptidase 7; minus strand). Cytogenetic location: 16p13.2.
Variant type: single nucleotide variant.
Coding change: c.2267C>T on transcript NM_003470.3 (MANE Select); coding-DNA position 2267, C replaced by T.
Protein change: p.Ala756Val; replaces alanine 756 with valine.
Molecular consequence: missense variant. On other transcripts: non-coding transcript variant (1).
Genome position (GRCh38, 1-based): chr16:8,900,572, G>A on the plus strand (C>T on the coding strand, the complement: USP7 is on the minus strand). VCF-style: chr16-8900572-G-A. GRCh37 (hg19) VCF-style: chr16-8994429-G-A.
Other names: c.2219C>T, p.Ala740Val (NM_001286457.2); c.1970C>T, p.Ala657Val (NM_001286458.2); c.2093C>T, p.Ala698Val (NM_001321858.2); short protein forms A657V, A698V, A740V, A756V.
Identifiers: ClinVar variation 4883280 (VCV004883280.2).